The following is an entry in ClinVar:

NM_000051.4(ATM):c.6248G>A (p.Gly2083Glu)

Genes: C11orf65 (chromosome 11 open reading frame 65; minus strand), ATM (ATM serine/threonine kinase; plus strand). Cytogenetic location: 11q22.3.
Variant type: single nucleotide variant.
Coding change: c.6248G>A on transcript NM_000051.4 (MANE Select); coding-DNA position 6248, G replaced by A.
Protein change: p.Gly2083Glu; replaces glycine 2083 with glutamic acid.
Molecular consequence: missense variant. On other transcripts: intron variant (2).
Genome position (GRCh38, 1-based): chr11:108,317,422, G>A. VCF-style: chr11-108317422-G-A. GRCh37 (hg19) VCF-style: chr11-108188149-G-A.
Other names: c.6248G>A, p.Gly2083Glu (NM_001351834.2); c.641-8351C>T (NM_001330368.2); c.*39-8351C>T (NM_001351110.2); short protein forms G2083E.
Identifiers: ClinVar variation 407492 (VCV000407492.9), dbSNP rs1060501559, ClinGen allele CA16613183.

ClinVar aggregate classification (germline): Uncertain significance (1 of 4 stars; one submission).

Conditions:
Ataxia-telangiectasia syndrome (AT). Also called: LOUIS-BAR SYNDROME; Cerebello-oculocutaneous telangiectasia; Immunodeficiency with ataxia telangiectasia; Ataxia-telangiectasia, complementation group D; AT, COMPLEMENTATION GROUP C; Ataxia-telangiectasia, complementation group E. Identifiers: Orphanet 100, MedGen C0004135, MONDO:0008840, OMIM 208900.

Allele frequency attached by ClinVar (database versions not stated): gnomAD exomes below 0.00001.
gnomAD v4.1: 1 of 1,612,182 alleles (0.000062%); highest among the groups gnomAD compares: East Asian, 0.0022%; no homozygotes.

Submission:

Labcorp Genetics (formerly Invitae), Labcorp
Classification: Uncertain significance for Ataxia-telangiectasia syndrome. Last evaluated: 2016-04-10. Review status: criteria provided, single submitter. Criteria: Invitae Variant Classification Sherloc (09022015). Collection method: clinical testing. Allele origin: germline.
Comment: In summary, this variant is a novel missense change with uncertain impact on protein function. It has been classified as a Variant of Uncertain Significance. This variant is not present in population databases (ExAC no frequency) and has not been reported in the literature in individuals with an ATM-related disease. Algorithms developed to predict the effect of missense changes on protein structure and function (SIFT, PolyPhen-2, Align-GVGD) all suggest that this variant is likely to be disruptive, but these predictions have not been confirmed by published functional studies. This sequence change replaces glycine with glutamic acid at codon 2083 of the ATM protein (p.Gly2083Glu). The glycine residue is highly conserved and there is a moderate physicochemical difference between glycine and glutamic acid.